The following is an entry in ClinVar:

ClinVar aggregate classification (germline): Uncertain significance (1 of 4 stars; one submission).

Conditions:
Inborn genetic diseases. Identifiers: MedGen C0950123, MeSH D030342.

Submission:

Ambry Genetics
Classification: Uncertain significance for Inborn genetic diseases. Last evaluated: 2025-04-12. Review status: criteria provided, single submitter. Criteria: Ambry Variant Classification Scheme 2023. Collection method: clinical testing. Allele origin: germline.
Comment: The p.M1369T variant (also known as c.4106T>C), located in coding exon 29 of the ANKRD26 gene, results from a T to C substitution at nucleotide position 4106. The methionine at codon 1369 is replaced by threonine, an amino acid with similar properties. This amino acid position is conserved. In addition, this alteration is predicted to be tolerated by in silico analysis. Based on the available evidence, the clinical significance of this variant remains unclear.

NM_014915.3(ANKRD26):c.4106T>C (p.Met1369Thr)

Gene: ANKRD26 (ankyrin repeat domain containing 26; minus strand). Cytogenetic location: 10p12.1.
Variant type: single nucleotide variant.
Coding change: c.4106T>C on transcript NM_014915.3 (MANE Select); coding-DNA position 4106, T replaced by C.
Protein change: p.Met1369Thr; replaces methionine 1369 with threonine.
Molecular consequence: missense variant.
Genome position (GRCh38, 1-based): chr10:27,022,667, A>G on the plus strand (T>C on the coding strand, the complement: ANKRD26 is on the minus strand). VCF-style: chr10-27022667-A-G. GRCh37 (hg19) VCF-style: chr10-27311596-A-G.
Other names: c.4103T>C, p.Met1368Thr (NM_001256053.2); short protein forms M1369T, M1368T.
Identifiers: ClinVar variation 3913677 (VCV003913677.1).